The following is an entry in ClinVar:

NM_181882.3(PRX):c.2815_2816del (p.Ser939fs)

Gene: PRX (periaxin; minus strand). Cytogenetic location: 19q13.2.
Variant type: Microsatellite.
Coding change: c.2815_2816del on transcript NM_181882.3 (MANE Select); coding-DNA positions 2815 to 2816, 2 bases deleted (TC; older notation c.2815_2816delTC).
Protein change: p.Ser939fs; shifts the reading frame from serine 939.
Molecular consequence: frameshift variant. On other transcripts: 3 prime UTR variant (1).
Genome position (GRCh38, 1-based): chr19:40,395,536-40,395,537, GA deleted on the plus strand (TC on the coding strand, the reverse complement: PRX is on the minus strand); deleting any 2 consecutive bases within chr19:40,395,536-40,395,540 gives the same sequence; the c. name uses the placement nearest the transcript's 3' end. VCF-style (leftmost placement, unchanged base first): chr19-40395535-CGA-C. GRCh37 (hg19) VCF-style: chr19-40901442-CGA-C.
Other names: c.*3018TC[1] (NM_020956.2); short protein forms S939fs.
Identifiers: ClinVar variation 1385857 (VCV001385857.6), dbSNP rs2145727806, ClinGen allele CA2580614900.

ClinVar aggregate classification (germline): Pathogenic (1 of 4 stars; one submission).

Conditions:
Charcot-Marie-Tooth disease type 4. Also called: Charcot-Marie-Tooth, Type 4; Charcot-Marie-Tooth disease, type IV. Identifiers: Orphanet 64749, MedGen C4082197, MONDO:0018995.

Submission:

Labcorp Genetics (formerly Invitae), Labcorp
Classification: Pathogenic for Charcot-Marie-Tooth disease type 4. Last evaluated: 2021-09-04. Review status: criteria provided, single submitter. Criteria: Invitae Variant Classification Sherloc (09022015). Collection method: clinical testing. Allele origin: germline.
Comment: This variant is not present in population databases (ExAC no frequency). This sequence change creates a premature translational stop signal (p.Ser939Glyfs*6) in the PRX gene. While this is not anticipated to result in nonsense mediated decay, it is expected to disrupt the last 523 amino acid(s) of the PRX protein. This variant has not been reported in the literature in individuals affected with PRX-related conditions. For these reasons, this variant has been classified as Pathogenic. This variant disrupts a region of the PRX protein in which other variant(s) (p.Gln1168*) have been determined to be pathogenic (Invitae). This suggests that this is a clinically significant region of the protein, and that variants that disrupt it are likely to be disease-causing.